The following is an entry in ClinVar:

NM_001035.3(RYR2):c.7501T>G (p.Ser2501Ala)

Gene: RYR2 (ryanodine receptor 2; plus strand). Cytogenetic location: 1q43.
Variant type: single nucleotide variant.
Coding change: c.7501T>G on transcript NM_001035.3 (MANE Select); coding-DNA position 7501, T replaced by G.
Protein change: p.Ser2501Ala; replaces serine 2501 with alanine.
Molecular consequence: missense variant.
Genome position (GRCh38, 1-based): chr1:237,648,602, T>G. VCF-style: chr1-237648602-T-G. GRCh37 (hg19) VCF-style: chr1-237811902-T-G.
Other names: c.7501T>G (NM_001035.2); short protein forms S2501A.
Identifiers: ClinVar variation 926394 (VCV000926394.9), dbSNP rs747787121, ClinGen allele CA087399.
Genomic context (GRCh38, chr1:237,648,602, plus strand): 5'-CAAGACTTCCTCCTCCATCTTCTTGAGGTTGGCTTTCTGCCAGATCTCCGGGCGGCTGCT[T>G]CTTTAGATACGGTGAGATTGGAGCGATGGACTTCCTCCTCTCTTGACTCTTCACTCTGTG-3'
Protein context (NP_001026.2, residues 2491-2511): GFLPDLRAAA[Ser2501Ala]LDTAALSATD

ClinVar aggregate classification (germline): Uncertain significance. Review status: criteria provided, multiple submitters, no conflicts (2 of 4 stars). 4 submissions from 4 submitters: Uncertain significance (4). Last evaluated 2026-07-21.

Conditions:
Arrhythmogenic right ventricular dysplasia 2. Identifiers: MedGen C1832931.
Ventricular arrhythmias due to cardiac ryanodine receptor calcium release deficiency syndrome. Also called: Autosomal dominant cardiac arrhythmia (Kuhn). Identifiers: MedGen C5542154, MONDO:0020745, OMIM 115000.
Catecholaminergic polymorphic ventricular tachycardia 1. Also called: VENTRICULAR TACHYCARDIA, CATECHOLAMINERGIC POLYMORPHIC, 1, WITH OR WITHOUT ATRIAL DYSFUNCTION AND/OR DILATED CARDIOMYOPATHY; RYR2-Related Catecholaminergic Polymorphic Ventricular Tachycardia; VENTRICULAR TACHYCARDIA, STRESS-INDUCED POLYMORPHIC 1. Identifiers: Orphanet 3286, MedGen C1631597, MONDO:0011484, OMIM 604772.
Cardiomyopathy (CMYO). Also called: Cardiomyopathies. Identifiers: Orphanet 167848, MedGen C0878544, MONDO:0004994, HP:0001638. Inheritance: Various modes of inheritance.
Cardiovascular phenotype. Identifiers: MedGen CN230736.
Catecholaminergic polymorphic ventricular tachycardia (CVPT). Also called: Catecholamine-induced polymorphic ventricular tachycardia. Identifiers: Orphanet 3286, MedGen C5574922, MONDO:0017990.

Allele frequency attached by ClinVar (database versions not stated): gnomAD exomes below 0.00001; ExAC 0.00001.
gnomAD v4.1: 4 of 1,609,310 alleles (0.00025%); highest among the groups gnomAD compares: Non-Finnish European, 0.00034%; no homozygotes.

Submissions (4):

Ambry Genetics
Classification: Uncertain significance for Cardiovascular phenotype. Last evaluated: 2026-07-21. Review status: criteria provided, single submitter. Criteria: Ambry Variant Classification Scheme 2023. Collection method: clinical testing. Allele origin: germline.
Comment: The p.S2501A variant (also known as c.7501T>G), located in coding exon 49 of the RYR2 gene, results from a T to G substitution at nucleotide position 7501. The serine at codon 2501 is replaced by alanine, an amino acid with similar properties. This amino acid position is conserved. In addition, the in silico prediction for this alteration is inconclusive. Based on the available evidence, the clinical significance of this variant remains unclear.

All of Us Research Program, National Institutes of Health
Classification: Uncertain significance for Catecholaminergic polymorphic ventricular tachycardia. Last evaluated: 2024-07-15. Review status: criteria provided, single submitter. Criteria: ACMG Guidelines, 2015. Collection method: clinical testing. Allele origin: germline. Inheritance: Autosomal dominant inheritance. Observed: 4 variant alleles, 4 heterozygotes.
Comment: This variant is located in the RYR2 protein. Computational prediction is inconclusive regarding the impact of this variant on protein structure and function (internally defined REVEL score threshold 0.5 < inconclusive < 0.7, PMID: 27666373). To our knowledge, functional studies have not been reported for this variant. This variant has not been reported in individuals affected with cardiovascular disorders in the literature. This variant has been identified in 1/240946 chromosomes in the general population by the Genome Aggregation Database (gnomAD). The available evidence is insufficient to determine the role of this variant in disease conclusively. Therefore, this variant is classified as a Variant of Uncertain Significance.

This study involves interpretation of variants in research participants for the purpose of population health screening. Participant phenotype was not available at the time of variant classification. Additional details can be found in publication PMID: 35346344, PMCID: PMC8962531

Color Diagnostics, LLC DBA Color Health
Classification: Uncertain significance for Cardiomyopathy. Last evaluated: 2024-03-06. Review status: criteria provided, single submitter. Criteria: ACMG Guidelines, 2015. Collection method: clinical testing. Allele origin: germline.
Comment: This variant is located in the RYR2 protein. Computational prediction is inconclusive regarding the impact of this variant on protein structure and function (internally defined REVEL score threshold 0.5 < inconclusive < 0.7, PMID: 27666373). To our knowledge, functional studies have not been reported for this variant. This variant has not been reported in individuals affected with cardiovascular disorders in the literature. This variant has been identified in 1/240946 chromosomes in the general population by the Genome Aggregation Database (gnomAD). The available evidence is insufficient to determine the role of this variant in disease conclusively. Therefore, this variant is classified as a Variant of Uncertain Significance.

Fulgent Genetics
Classification: Uncertain significance for Ventricular arrhythmias due to cardiac ryanodine receptor calcium release deficiency syndrome; Catecholaminergic polymorphic ventricular tachycardia 1. Last evaluated: 2021-07-21. Review status: criteria provided, single submitter. Criteria: ACMG Guidelines, 2015. Collection method: clinical testing. Allele origin: unknown.